The following is an entry in ClinVar:

ClinVar aggregate classification (germline): Uncertain significance. Review status: criteria provided, multiple submitters, no conflicts (2 of 4 stars). 2 submissions from 2 submitters: Uncertain significance (2). Last evaluated 2025-08-22.

Submissions (2):

Ambry Genetics
Classification: Uncertain significance. Last evaluated: 2025-08-22. Review status: criteria provided, single submitter. Criteria: Ambry Variant Classification Scheme 2023. Collection method: clinical testing. Allele origin: germline.

Labcorp Genetics (formerly Invitae), Labcorp
Classification: Uncertain significance. Last evaluated: 2024-01-31. Review status: criteria provided, single submitter. Criteria: Invitae Variant Classification Sherloc (09022015). Collection method: clinical testing. Allele origin: germline.
Comment: This sequence change replaces asparagine, which is neutral and polar, with lysine, which is basic and polar, at codon 155 of the OR2W3 protein (p.Asn155Lys). This variant is present in population databases (rs201631118, gnomAD 0.005%). This variant has not been reported in the literature in individuals affected with OR2W3-related conditions. ClinVar contains an entry for this variant (Variation ID: 2060193). An algorithm developed to predict the effect of missense changes on protein structure and function (PolyPhen-2) suggests that this variant is likely to be disruptive. In summary, the available evidence is currently insufficient to determine the role of this variant in disease. Therefore, it has been classified as a Variant of Uncertain Significance.

NM_001001957.2(OR2W3):c.465C>A (p.Asn155Lys)

Gene: OR2W3 (olfactory receptor family 2 subfamily W member 3; plus strand). Cytogenetic location: 1q44.
Variant type: single nucleotide variant.
Coding change: c.465C>A on transcript NM_001001957.2 (MANE Select); coding-DNA position 465, C replaced by A.
Protein change: p.Asn155Lys; replaces asparagine 155 with lysine.
Molecular consequence: missense variant.
Genome position (GRCh38, 1-based): chr1:247,896,051, C>A. VCF-style: chr1-247896051-C-A. GRCh37 (hg19) VCF-style: chr1-248059353-C-A.
Other names: short protein forms N155K.
Identifiers: ClinVar variation 2060193 (VCV002060193.6), dbSNP rs201631118, ClinGen allele CA1498604.